The following is an entry in ClinVar:

ClinVar aggregate classification (germline): Benign/Likely benign. Review status: criteria provided, multiple submitters, no conflicts (2 of 4 stars). 3 submissions from 3 submitters: Benign (1); Likely benign (2). Last evaluated 2025-02-26.

Conditions:
Hereditary cancer-predisposing syndrome. Also called: Hereditary Cancer Syndrome; Hereditary neoplastic syndrome; Tumor predisposition; Neoplastic Syndromes, Hereditary. Identifiers: Orphanet 140162, MedGen C0027672, MeSH D009386, MONDO:0015356.
Multiple endocrine neoplasia, type 2 (MEN2). Identifiers: Orphanet 653, MedGen C4048306, MONDO:0019003. Disease mechanism: gain of function.
Multiple endocrine neoplasia type 2A. Also called: MULTIPLE ENDOCRINE NEOPLASIA, TYPE IIA; PTC SYNDROME; SIPPLE SYNDROME; MEN 2A; MEN-2A syndrome; Pheochromocytoma and amyloid producing medullary thyroid carcinoma. Identifiers: Orphanet 247698, Orphanet 653, MedGen C0025268, MeSH D018813, MONDO:0008234, OMIM 171400.

gnomAD v4.1: 2 of 1,613,962 alleles (0.00012%); highest among the groups gnomAD compares: Non-Finnish European, 0.00017%; no homozygotes.

Submissions (3):

Myriad Genetics, Inc.
Classification: Benign for Multiple endocrine neoplasia type 2A. Last evaluated: 2025-02-26. Review status: criteria provided, single submitter. Criteria: Myriad Autosomal Dominant, Autosomal Recessive and X-Linked Classification Criteria (2023). Collection method: clinical testing. Allele origin: unknown.
Comment: This variant is considered benign. This variant is a silent/synonymous amino acid change and it is not expected to impact splicing.

Labcorp Genetics (formerly Invitae), Labcorp
Classification: Likely benign for Multiple endocrine neoplasia, type 2. Last evaluated: 2022-06-01. Review status: criteria provided, single submitter. Criteria: Invitae Variant Classification Sherloc (09022015). Collection method: clinical testing. Allele origin: germline.

Ambry Genetics
Classification: Likely benign for Hereditary cancer-predisposing syndrome. Last evaluated: 2021-11-02. Review status: criteria provided, single submitter. Criteria: Ambry Variant Classification Scheme 2023. Collection method: clinical testing. Allele origin: germline.

NM_020975.6(RET):c.2370G>A (p.Leu790=)

Gene: RET (ret proto-oncogene; plus strand). Cytogenetic location: 10q11.21.
Variant type: single nucleotide variant.
Coding change: c.2370G>A on transcript NM_020975.6 (MANE Select); coding-DNA position 2370, G replaced by A.
Protein change: p.Leu790=; no amino-acid change (leucine 790 retained).
Molecular consequence: synonymous variant.
Genome position (GRCh38, 1-based): chr10:43,118,458, G>A. VCF-style: chr10-43118458-G-A. GRCh37 (hg19) VCF-style: chr10-43613906-G-A.
Other names: c.2370G>A, p.Leu790= (NM_000323.2, NM_001406743.1, NM_001406744.1 and 4 more transcripts); c.1608G>A, p.Leu536= (NM_001355216.2); c.2241G>A, p.Leu747= (NM_001406761.1, NM_001406762.1, NM_001406764.1); c.2235G>A, p.Leu745= (NM_001406763.1, NM_001406765.1); c.2082G>A, p.Leu694= (NM_001406766.1, NM_001406767.1, NM_001406770.1); c.2106G>A, p.Leu702= (NM_001406768.1); c.1974G>A, p.Leu658= (NM_001406769.1, NM_001406772.1); c.1932G>A, p.Leu644= (NM_001406771.1, NM_001406773.1); and 10 more.
Identifiers: ClinVar variation 1790299 (VCV001790299.10), dbSNP rs75030001, ClinGen allele CA469028188.